The following is an entry in ClinVar:

ClinVar aggregate classification (germline): Uncertain significance (1 of 4 stars; one submission).

Conditions:
Mucopolysaccharidosis, MPS-IV-A (MPS4A). Also called: MPS IVA; mucopolysaccharidosis type 4A; Morquio syndrome A, mild; MORQUIO SYNDROME A; GALACTOSAMINE-6-SULFATASE DEFICIENCY; GALNS DEFICIENCY. Identifiers: Orphanet 309297, Orphanet 582, MedGen C0086651, MONDO:0009659, OMIM 253000.

Submission:

Neuberg Centre For Genomic Medicine, NCGM
Classification: Uncertain significance for Mucopolysaccharidosis, MPS-IV-A. Last evaluated: 2023-06-22. Review status: criteria provided, single submitter. Criteria: ACMG Guidelines, 2015. Collection method: clinical testing. Allele origin: germline. Inheritance: Autosomal recessive inheritance. Affected: yes.
Comment: The missense c.1484A>C(p.Asn495Thr) splice region variant in the GALNS gene has not been reported previously as a pathogenic variant nor as a benign variant, to our knowledge. The p.Asn495Thr variant is absent in gnomAD exomes. This variant has not been submitted to the ClinVar database. Multiple lines of computational evidences (Polyphen - Probably damaging, SIFT - Damaging and MutationTaster - Disease causing) predict a damaging effect on protein structure and function for this variant. The reference amino acid change p.Asn495Thr in GALNS is predicted as conserved by GERP++ and PhyloP across 100 vertebrates. The amino acid Asn at position 495 is changed to a Thr changing protein sequence and it might alter its composition and physico-chemical properties. For these reasons, this variant has been classified as Uncertain Significance (VUS).

NM_000512.5(GALNS):c.1484A>C (p.Asn495Thr)

Gene: GALNS (galactosamine (N-acetyl)-6-sulfatase; minus strand). Cytogenetic location: 16q24.3.
Variant type: single nucleotide variant.
Coding change: c.1484A>C on transcript NM_000512.5 (MANE Select); coding-DNA position 1484, A replaced by C.
Protein change: p.Asn495Thr; replaces asparagine 495 with threonine.
Molecular consequence: missense variant.
Genome position (GRCh38, 1-based): chr16:88,814,524, T>G on the plus strand (A>C on the coding strand, the complement: GALNS is on the minus strand). VCF-style: chr16-88814524-T-G. GRCh37 (hg19) VCF-style: chr16-88880932-T-G.
Other names: c.929A>C, p.Asn310Thr (NM_001323543.2); c.1502A>C, p.Asn501Thr (NM_001323544.2); short protein forms N310T, N495T, N501T.
Identifiers: ClinVar variation 3731365 (VCV003731365.1).
Genomic context (GRCh38, chr16:88,814,524, plus strand): 5'-GGAATGGATTCTGGAGGTGTCAGACACTTCCCTAACTTTTCACAGCCCGGAGGTGCCCAG[T>G]TCTGGGAAATGAAAATTGAGAAAAAGAACATGCAGTTATTCAAGCTCTTCTGGACCCAGC-3'
Protein context (NP_000503.1, residues 485-505): QLNVCNWAVM[Asn495Thr]WAPPGCEKLG